The following is an entry in ClinVar:

ClinVar aggregate classification (germline): Uncertain significance (0 of 4 stars; one submission).

Conditions:
CEP104-related disorder. Also called: CEP104-related condition.

gnomAD v4.1: 53 of 1,614,058 alleles (0.0033%); highest among the groups gnomAD compares: Non-Finnish European, 0.0041%; no homozygotes.

Submission:

PreventionGenetics, part of Exact Sciences
Classification: Uncertain significance for CEP104-related condition. Last evaluated: 2024-05-28. Review status: no assertion criteria provided. Collection method: clinical testing. Allele origin: germline.
Comment: The CEP104 c.1628G>A variant is predicted to result in the amino acid substitution p.Arg543His. To our knowledge, this variant has not been reported in the literature. This variant is reported in 0.0065% of alleles in individuals of South Asian descent in gnomAD. At this time, the clinical significance of this variant is uncertain due to the absence of conclusive functional and genetic evidence.

NM_014704.4(CEP104):c.1628G>A (p.Arg543His)

Gene: CEP104 (centrosomal protein 104; minus strand). Cytogenetic location: 1p36.32.
Variant type: single nucleotide variant.
Coding change: c.1628G>A on transcript NM_014704.4 (MANE Select); coding-DNA position 1628, G replaced by A.
Protein change: p.Arg543His; replaces arginine 543 with histidine.
Molecular consequence: missense variant.
Genome position (GRCh38, 1-based): chr1:3,833,893, C>T on the plus strand (G>A on the coding strand, the complement: CEP104 is on the minus strand). VCF-style: chr1-3833893-C-T. GRCh37 (hg19) VCF-style: chr1-3750457-C-T.
Other names: short protein forms R543H.
Identifiers: ClinVar variation 3358186 (VCV003358186.1).